The following is an entry in ClinVar:

ClinVar aggregate classification (germline): Uncertain significance. Review status: criteria provided, multiple submitters, no conflicts (2 of 4 stars). 4 submissions from 4 submitters: Uncertain significance (4). Last evaluated 2025-04-01.

Conditions:
Inborn genetic diseases. Identifiers: MedGen C0950123, MeSH D030342.
Neuronal ceroid lipofuscinosis. Also called: Neuronal Ceroid Lipofuscinoses. Identifiers: Orphanet 216, Orphanet 79263, MedGen C0027877, MONDO:0016295. Disease mechanism: loss of function.
Neuronal ceroid lipofuscinosis 3 (CLN3). Identifiers: Orphanet 228346, MedGen C0751383, MONDO:0008767, OMIM 204200.

Allele frequency attached by ClinVar (database versions not stated): gnomAD exomes 0.00001 and 0.00002; ExAC 0.00002; TOPMed 0.00002.
gnomAD v4.1: 15 of 1,614,178 alleles (0.00093%); highest among the groups gnomAD compares: African/African-American, 0.004%; no homozygotes.

Submissions (4):

Ambry Genetics
Classification: Uncertain significance for Inborn genetic diseases. Last evaluated: 2025-04-01. Review status: criteria provided, single submitter. Criteria: Ambry Variant Classification Scheme 2023. Collection method: clinical testing. Allele origin: germline.

Labcorp Genetics (formerly Invitae), Labcorp
Classification: Uncertain significance for Neuronal ceroid lipofuscinosis. Last evaluated: 2024-08-12. Review status: criteria provided, single submitter. Criteria: Invitae Variant Classification Sherloc (09022015). Collection method: clinical testing. Allele origin: germline.
Comment: This sequence change replaces arginine, which is basic and polar, with tryptophan, which is neutral and slightly polar, at codon 272 of the CLN3 protein (p.Arg272Trp). This variant is present in population databases (rs113041302, gnomAD 0.007%). This variant has not been reported in the literature in individuals affected with CLN3-related conditions. ClinVar contains an entry for this variant (Variation ID: 391698). Advanced modeling of protein sequence and biophysical properties (such as structural, functional, and spatial information, amino acid conservation, physicochemical variation, residue mobility, and thermodynamic stability) performed at Invitae indicates that this missense variant is not expected to disrupt CLN3 protein function with a negative predictive value of 80%. In summary, the available evidence is currently insufficient to determine the role of this variant in disease. Therefore, it has been classified as a Variant of Uncertain Significance.

GeneDx
Classification: Uncertain significance. Last evaluated: 2022-02-23. Review status: criteria provided, single submitter. Criteria: GeneDx Variant Classification Process June 2021. Collection method: clinical testing. Allele origin: germline. Affected: yes.
Comment: Not observed at significant frequency in large population cohorts (gnomAD); In silico analysis supports that this missense variant has a deleterious effect on protein structure/function; Has not been previously published as pathogenic or benign to our knowledge; This variant is associated with the following publications: (PMID: 18314010)

Genome-Nilou Lab
Classification: Uncertain significance for Neuronal ceroid lipofuscinosis 3. Last evaluated: 2021-09-05. Review status: criteria provided, single submitter. Criteria: ACMG Guidelines, 2015. Collection method: clinical testing. Allele origin: germline. Affected: no.

NM_001042432.2(CLN3):c.814C>T (p.Arg272Trp)

Gene: CLN3 (CLN3 lysosomal/endosomal transmembrane protein, battenin; minus strand). Cytogenetic location: 16p12.1.
Variant type: single nucleotide variant.
Coding change: c.814C>T on transcript NM_001042432.2 (MANE Select); coding-DNA position 814, C replaced by T.
Protein change: p.Arg272Trp; replaces arginine 272 with tryptophan.
Molecular consequence: missense variant.
Genome position (GRCh38, 1-based): chr16:28,482,649, G>A on the plus strand (C>T on the coding strand, the complement: CLN3 is on the minus strand). VCF-style: chr16-28482649-G-A. GRCh37 (hg19) VCF-style: chr16-28493970-G-A.
Other names: c.814C>T, p.Arg272Trp (NM_000086.2); c.742C>T, p.Arg248Trp (NM_001286104.2); c.514C>T, p.Arg172Trp (NM_001286105.2); c.580C>T, p.Arg194Trp (NM_001286109.2); c.652C>T, p.Arg218Trp (NM_001286110.2); short protein forms R272W, R172W, R248W, R194W, R218W.
Identifiers: ClinVar variation 391698 (VCV000391698.12), dbSNP rs113041302, ClinGen allele CA7980814.
Genomic context (GRCh38, chr16:28,482,649, plus strand): 5'-AAGCCCCACAGGGACATACCCCAGCCATCATCCGAACCTTGAACACTGTCCACCTTTCCC[G>A]AAGGGAGAGGCTGGAGCTGGAGCCTGCAGGGGAACAGAGAGAGAAGGGCAGATGAAGTTT-3'
Protein context (NP_001035897.1, residues 262-282): KPGSSSSLSL[Arg272Trp]ERWTVFKGLL